The following is an entry in ClinVar:

NM_001312673.2(PCYT1A):c.475G>T (p.Ala159Ser)

Genes: PCYT1A (phosphate cytidylyltransferase 1A, choline; minus strand), LOC126806932 (BRD4-independent group 4 enhancer GRCh37_chr3:195973646-195974845; plus strand). Cytogenetic location: 3q29.
Variant type: single nucleotide variant.
Coding change: c.475G>T on transcript NM_001312673.2 (MANE Select); coding-DNA position 475, G replaced by T.
Protein change: p.Ala159Ser; replaces alanine 159 with serine.
Molecular consequence: missense variant.
Genome position (GRCh38, 1-based): chr3:196,247,378, C>A on the plus strand (G>T on the coding strand, the complement: PCYT1A is on the minus strand). VCF-style: chr3-196247378-C-A. GRCh37 (hg19) VCF-style: chr3-195974249-C-A.
Other names: c.475G>T, p.Ala159Ser (NM_005017.4); short protein forms A159S.
Identifiers: ClinVar variation 1011161 (VCV001011161.5), dbSNP rs757210925, ClinGen allele CA2779524.

ClinVar aggregate classification (germline): Uncertain significance (1 of 4 stars; one submission).

Allele frequency attached by ClinVar (database versions not stated): gnomAD exomes below 0.00001; ExAC 0.00001; gnomAD 0.00001; TOPMed 0.00001.
gnomAD v4.1: 6 of 1,613,902 alleles (0.00037%); highest among the groups gnomAD compares: African/African-American, 0.0067%; no homozygotes.

Submission:

Labcorp Genetics (formerly Invitae), Labcorp
Classification: Uncertain significance. Last evaluated: 2026-01-19. Review status: criteria provided, single submitter. Criteria: Invitae Variant Classification Sherloc (09022015). Collection method: clinical testing. Allele origin: germline.
Comment: This sequence change replaces alanine, which is neutral and non-polar, with serine, which is neutral and polar, at codon 159 of the PCYT1A protein (p.Ala159Ser). This variant is present in population databases (rs757210925, gnomAD 0.007%). This variant has not been reported in the literature in individuals affected with PCYT1A-related conditions. ClinVar contains an entry for this variant (Variation ID: 1011161). Invitae Evidence Modeling of protein sequence and biophysical properties (such as structural, functional, and spatial information, amino acid conservation, physicochemical variation, residue mobility, and thermodynamic stability) indicates that this missense variant is not expected to disrupt PCYT1A protein function with a negative predictive value of 95%. In summary, the available evidence is currently insufficient to determine the role of this variant in disease. Therefore, it has been classified as a Variant of Uncertain Significance.